The following is an entry in ClinVar:

NM_000718.4(CACNA1B):c.6238G>A (p.Ala2080Thr)

Gene: CACNA1B (calcium voltage-gated channel subunit alpha1 B; plus strand). Cytogenetic location: 9q34.3.
Variant type: single nucleotide variant.
Coding change: c.6238G>A on transcript NM_000718.4 (MANE Select); coding-DNA position 6238, G replaced by A.
Protein change: p.Ala2080Thr; replaces alanine 2080 with threonine.
Molecular consequence: missense variant.
Genome position (GRCh38, 1-based): chr9:138,120,372, G>A. VCF-style: chr9-138120372-G-A. GRCh37 (hg19) VCF-style: chr9-141014824-G-A.
Other names: c.6238G>A, p.Ala2080Thr (NM_001243812.2); short protein forms A2080T.
Identifiers: ClinVar variation 1029938 (VCV001029938.3), dbSNP rs1296356489, ClinGen allele CA375822571.

ClinVar aggregate classification (germline): Uncertain significance. Review status: criteria provided, multiple submitters, no conflicts (2 of 4 stars). 2 submissions from 2 submitters: Uncertain significance (2). Last evaluated 2022-06-12.

Conditions:
Neurodevelopmental disorder with seizures and nonepileptic hyperkinetic movements. Identifiers: MedGen C5193128, MONDO:0032784, OMIM 618497.

Allele frequency attached by ClinVar (database versions not stated): gnomAD exomes below 0.00001; TOPMed 0.00001; gnomAD 0.00002.
gnomAD v4.1: 7 of 1,548,346 alleles (0.00045%); highest among the groups gnomAD compares: East Asian, 0.0024%; no homozygotes.

Submissions (2):

Labcorp Genetics (formerly Invitae), Labcorp
Classification: Uncertain significance. Last evaluated: 2022-06-12. Review status: criteria provided, single submitter. Criteria: Invitae Variant Classification Sherloc (09022015). Collection method: clinical testing. Allele origin: germline.
Comment: This sequence change replaces alanine, which is neutral and non-polar, with threonine, which is neutral and polar, at codon 2080 of the CACNA1B protein (p.Ala2080Thr). This variant also falls at the last nucleotide of exon 45, which is part of the consensus splice site for this exon. This variant is present in population databases (no rsID available, gnomAD 0.006%). This variant has not been reported in the literature in individuals affected with CACNA1B-related conditions. ClinVar contains an entry for this variant (Variation ID: 1029938). Algorithms developed to predict the effect of missense changes on protein structure and function are either unavailable or do not agree on the potential impact of this missense change (SIFT: "Tolerated"; PolyPhen-2: "Possibly Damaging"; Align-GVGD: "Class C0"). Variants that disrupt the consensus splice site are a relatively common cause of aberrant splicing (PMID: 17576681, 9536098). Algorithms developed to predict the effect of sequence changes on RNA splicing suggest that this variant may disrupt the consensus splice site. In summary, the available evidence is currently insufficient to determine the role of this variant in disease. Therefore, it has been classified as a Variant of Uncertain Significance.

Baylor Genetics
Classification: Uncertain significance for Neurodevelopmental disorder with seizures and nonepileptic hyperkinetic movements. Last evaluated: 2020-09-20. Review status: criteria provided, single submitter. Criteria: ACMG Guidelines, 2015. Collection method: clinical testing. Allele origin: unknown. Affected: yes.
Comment: This variant was determined to be of uncertain significance according to ACMG Guidelines, 2015 [PMID:25741868].

Literature cited by the submitters: PubMed 17576681 (cited by Labcorp Genetics (formerly Invitae), Labcorp); PubMed 9536098 (cited by Labcorp Genetics (formerly Invitae), Labcorp).